The following is an entry in ClinVar:

ClinVar aggregate classification (germline): Uncertain significance (1 of 4 stars; one submission).

Submission:

Labcorp Genetics (formerly Invitae), Labcorp
Classification: Uncertain significance. Last evaluated: 2023-11-27. Review status: criteria provided, single submitter. Criteria: Invitae Variant Classification Sherloc (09022015). Collection method: clinical testing. Allele origin: germline.
Comment: This sequence change replaces arginine, which is basic and polar, with leucine, which is neutral and non-polar, at codon 162 of the PLOD3 protein (p.Arg162Leu). This variant is not present in population databases (gnomAD no frequency). This variant has not been reported in the literature in individuals affected with PLOD3-related conditions. An algorithm developed to predict the effect of missense changes on protein structure and function (PolyPhen-2) suggests that this variant is likely to be disruptive. In summary, the available evidence is currently insufficient to determine the role of this variant in disease. Therefore, it has been classified as a Variant of Uncertain Significance.

NM_001084.5(PLOD3):c.485G>T (p.Arg162Leu)

Gene: PLOD3 (procollagen-lysine,2-oxoglutarate 5-dioxygenase 3; minus strand). Cytogenetic location: 7q22.1.
Variant type: single nucleotide variant.
Coding change: c.485G>T on transcript NM_001084.5 (MANE Select); coding-DNA position 485, G replaced by T.
Protein change: p.Arg162Leu; replaces arginine 162 with leucine.
Molecular consequence: missense variant.
Genome position (GRCh38, 1-based): chr7:101,216,180, C>A on the plus strand (G>T on the coding strand, the complement: PLOD3 is on the minus strand). VCF-style: chr7-101216180-C-A. GRCh37 (hg19) VCF-style: chr7-100859461-C-A.
Other names: short protein forms R162L.
Identifiers: ClinVar variation 3010759 (VCV003010759.3), dbSNP rs776951292, ClinGen allele CA368625073.
Genomic context (GRCh38, chr7:101,216,180, plus strand): 5'-CCACCGCTCTTGGCCCCTCTGCCTTGGGCACTCTGCCACTCACCACCAGAATTGAGGAAG[C>A]GCTTCCCCGTGCCCACCTCAGGGTACTGCTCCGCCAGCCCCCACTCGGGCCAGCAGAAGC-3'
Protein context (NP_001075.1, residues 152-172): EQYPEVGTGK[Arg162Leu]FLNSGGFIGF